The following is an entry in ClinVar:

NM_032608.7(MYO18B):c.2708C>T (p.Thr903Ile)

Gene: MYO18B (myosin XVIIIB; plus strand). Cytogenetic location: 22q12.1.
Variant type: single nucleotide variant.
Coding change: c.2708C>T on transcript NM_032608.7 (MANE Select); coding-DNA position 2708, C replaced by T.
Protein change: p.Thr903Ile; replaces threonine 903 with isoleucine.
Molecular consequence: missense variant.
Genome position (GRCh38, 1-based): chr22:25,826,421, C>T. VCF-style: chr22-25826421-C-T. GRCh37 (hg19) VCF-style: chr22-26222388-C-T.
Other names: c.2708C>T, p.Thr903Ile (NM_001318245.2); short protein forms T903I.
Identifiers: ClinVar variation 3360740 (VCV003360740.1).

ClinVar aggregate classification (germline): Uncertain significance (1 of 4 stars; one submission).

gnomAD v4.1: 18 of 1,611,300 alleles (0.0011%); highest among the groups gnomAD compares: Non-Finnish European, 0.0014%; no homozygotes.

Submission:

GeneDx
Classification: Uncertain significance. Last evaluated: 2023-06-30. Review status: criteria provided, single submitter. Criteria: GeneDx Variant Classification Process June 2021. Collection method: clinical testing. Allele origin: germline. Affected: yes.
Comment: Not observed at significant frequency in large population cohorts (gnomAD); In silico analysis supports that this missense variant has a deleterious effect on protein structure/function; Has not been previously published as pathogenic or benign to our knowledge